The following is an entry in ClinVar:

ClinVar aggregate classification (germline): Uncertain significance. Review status: criteria provided, multiple submitters, no conflicts (2 of 4 stars). 2 submissions from 2 submitters: Uncertain significance (2). Last evaluated 2024-11-25.

Allele frequency attached by ClinVar (database versions not stated): gnomAD exomes below 0.00001 and 0.00002; TOPMed 0.00002; gnomAD 0.00003.
gnomAD v4.1: 36 of 1,608,490 alleles (0.0022%); highest among the groups gnomAD compares: Non-Finnish European, 0.0027%; no homozygotes.

Submissions (2):

GeneDx
Classification: Uncertain significance. Last evaluated: 2024-11-25. Review status: criteria provided, single submitter. Criteria: GeneDx Variant Classification Process June 2021. Collection method: clinical testing. Allele origin: germline. Affected: yes.
Comment: Not observed at significant frequency in large population cohorts (gnomAD); Missense variant in a gene in which most reported pathogenic variants are truncating/loss of function; Has not been previously published as pathogenic or benign to our knowledge

CeGaT Center for Human Genetics Tuebingen
Classification: Uncertain significance. Last evaluated: 2018-11-01. Review status: criteria provided, single submitter. Criteria: CeGaT Center For Human Genetics Tuebingen Variant Classification Criteria Version 2. Collection method: clinical testing. Allele origin: germline. Affected: yes. Observed: 1 variant allele.

NM_001267550.2(TTN):c.18068T>C (p.Val6023Ala)

Gene: TTN (titin; minus strand). Cytogenetic location: 2q31.2.
Variant type: single nucleotide variant.
Coding change: c.18068T>C on transcript NM_001267550.2 (MANE Select); coding-DNA position 18068, T replaced by C.
Protein change: p.Val6023Ala; replaces valine 6023 with alanine.
Molecular consequence: missense variant. On other transcripts: intron variant (3).
Genome position (GRCh38, 1-based): chr2:178,730,332, A>G on the plus strand (T>C on the coding strand, the complement: TTN is on the minus strand). VCF-style: chr2-178730332-A-G. GRCh37 (hg19) VCF-style: chr2-179595059-A-G.
Other names: c.17117T>C, p.Val5706Ala (NM_001256850.1); c.14336T>C, p.Val4779Ala (NM_133378.4); c.13282+7750T>C (NM_003319.4); c.13858+7750T>C (NM_133437.4); c.13657+7750T>C (NM_133432.3); c.18068T>C (NM_001267550.1); short protein forms V5706A, V6023A, V4779A.
Identifiers: ClinVar variation 809058 (VCV000809058.43), dbSNP rs1037108046, ClinGen allele CA60978250.
Genomic context (GRCh38, chr2:178,730,332, plus strand): 5'-ATTGTCATGGGTGCAGTGCCACCCACAAGAGCCTTTAACTGTACCCTTGTGTTGGGATTG[A>G]CATCTTGTGACTGTGGCTTTTCCACAAAGTAAGGGGGTTCTGAGGTGAAAGAAAAAACAA-3'
Protein context (NP_001254479.2, residues 6013-6033): YFVEKPQSQD[Val6023Ala]NPNTRVQLKA